The following is an entry in ClinVar:

ClinVar aggregate classification (germline): Uncertain significance. Review status: criteria provided, multiple submitters, no conflicts (2 of 4 stars). 3 submissions from 3 submitters: Uncertain significance (3). Last evaluated 2022-09-27.

Conditions:
Aortic aneurysm, familial thoracic 4 (AAT4). Also called: AORTIC ANEURYSM/AORTIC DISSECTION AND PATENT DUCTUS ARTERIOSUS. Identifiers: MedGen C1851504, MONDO:0007568, OMIM 132900.
Visceral myopathy 2. Identifiers: MedGen C5543466, MONDO:0859157, OMIM 619350.
Megacystis-microcolon-intestinal hypoperistalsis syndrome 2. Identifiers: MedGen C5543476, MONDO:0025708, OMIM 619351.
Familial thoracic aortic aneurysm and aortic dissection (TAAD). Also called: Thoracic aortic aneurysms and dissections. Identifiers: Orphanet 91387, MedGen C4707243, MONDO:0019625.

Submissions (3):

Labcorp Genetics (formerly Invitae), Labcorp
Classification: Uncertain significance for Aortic aneurysm, familial thoracic 4. Last evaluated: 2022-09-27. Review status: criteria provided, single submitter. Criteria: Invitae Variant Classification Sherloc (09022015). Collection method: clinical testing. Allele origin: germline.
Comment: In summary, the available evidence is currently insufficient to determine the role of this variant in disease. Therefore, it has been classified as a Variant of Uncertain Significance. Advanced modeling of protein sequence and biophysical properties (such as structural, functional, and spatial information, amino acid conservation, physicochemical variation, residue mobility, and thermodynamic stability) performed at Invitae indicates that this missense variant is not expected to disrupt MYH11 protein function. ClinVar contains an entry for this variant (Variation ID: 838076). This variant has not been reported in the literature in individuals affected with MYH11-related conditions. This variant is not present in population databases (gnomAD no frequency). This sequence change replaces aspartic acid, which is acidic and polar, with asparagine, which is neutral and polar, at codon 866 of the MYH11 protein (p.Asp866Asn).

Fulgent Genetics
Classification: Uncertain significance for Aortic aneurysm, familial thoracic 4; Visceral myopathy 2; Megacystis-microcolon-intestinal hypoperistalsis syndrome 2. Last evaluated: 2021-11-16. Review status: criteria provided, single submitter. Criteria: ACMG Guidelines, 2015. Collection method: clinical testing. Allele origin: unknown.

Ambry Genetics
Classification: Uncertain significance for Familial thoracic aortic aneurysm and aortic dissection. Last evaluated: 2021-04-16. Review status: criteria provided, single submitter. Criteria: Ambry Variant Classification Scheme 2023. Collection method: clinical testing. Allele origin: germline.
Comment: The p.D859N variant (also known as c.2575G>A), located in coding exon 20 of the MYH11 gene, results from a G to A substitution at nucleotide position 2575. The aspartic acid at codon 859 is replaced by asparagine, an amino acid with highly similar properties. This amino acid position is not well conserved in available vertebrate species. In addition, this alteration is predicted to be tolerated by in silico analysis. Since supporting evidence is limited at this time, the clinical significance of this alteration remains unclear.

NM_002474.3(MYH11):c.2575G>A (p.Asp859Asn)

Gene: MYH11 (myosin heavy chain 11; minus strand). Cytogenetic location: 16p13.11.
Variant type: single nucleotide variant.
Coding change: c.2575G>A on transcript NM_002474.3 (MANE Select); coding-DNA position 2575, G replaced by A.
Protein change: p.Asp859Asn; replaces aspartic acid 859 with asparagine.
Molecular consequence: missense variant.
Genome position (GRCh38, 1-based): chr16:15,741,837, C>T on the plus strand (G>A on the coding strand, the complement: MYH11 is on the minus strand). VCF-style: chr16-15741837-C-T. GRCh37 (hg19) VCF-style: chr16-15835694-C-T.
Other names: c.2575G>A, p.Asp859Asn (NM_022844.3); c.2596G>A, p.Asp866Asn (NM_001040113.2, NM_001040114.2); short protein forms D866N, D859N.
Identifiers: ClinVar variation 838076 (VCV000838076.13), dbSNP rs2041282747, ClinGen allele CA394866403.